The following is an entry in ClinVar:

NM_001379200.1(TBX1):c.1462T>C (p.Tyr488His)

Gene: TBX1 (T-box transcription factor 1; plus strand). Cytogenetic location: 22q11.21.
Variant type: single nucleotide variant.
Coding change: c.1462T>C on transcript NM_001379200.1 (MANE Select); coding-DNA position 1462, T replaced by C.
Protein change: p.Tyr488His; replaces tyrosine 488 with histidine.
Molecular consequence: missense variant. On other transcripts: intron variant (2).
Genome position (GRCh38, 1-based): chr22:19,766,814, T>C. VCF-style: chr22-19766814-T-C. GRCh37 (hg19) VCF-style: chr22-19754337-T-C.
Other names: c.1435T>C, p.Tyr479His (NM_080647.1); c.1009+812T>C (NM_005992.1, NM_080646.2); short protein forms Y479H, Y488H.
Identifiers: ClinVar variation 972183 (VCV000972183.19), dbSNP rs746250147, ClinGen allele CA10102773.

ClinVar aggregate classification (germline): Uncertain significance. Review status: criteria provided, multiple submitters, no conflicts (2 of 4 stars). 5 submissions from 5 submitters: Uncertain significance (4). 1 of the submissions does not count toward it. Last evaluated 2025-12-11.

Conditions:
TBX1-related disorder. Also called: TBX1-Related Disorders; TBX1-related condition.
Cardiovascular phenotype. Identifiers: MedGen CN230736.
DiGeorge syndrome. Also called: THIRD AND FOURTH PHARYNGEAL POUCH SYNDROME; Catch22. Identifiers: Orphanet 567, MedGen C0012236, MONDO:0008564, OMIM 188400.

Allele frequency attached by ClinVar (database versions not stated): gnomAD exomes 0.00001 and 0.00003; gnomAD 0.00002; TOPMed 0.00002; ExAC 0.00004.
gnomAD v4.1: 13 of 1,556,350 alleles (0.00084%); highest among the groups gnomAD compares: Admixed American, 0.02%; no homozygotes.

Submissions (5):

Women's Health and Genetics/Laboratory Corporation of America, LabCorp
Classification: Uncertain significance. Last evaluated: 2025-12-11. Review status: criteria provided, single submitter. Criteria: LabCorp Variant Classification Summary - May 2015. Collection method: clinical testing. Allele origin: germline.
Comment: Variant summary: TBX1 c.1435T>C (p.Tyr479His) results in a conservative amino acid change in the encoded protein sequence. Algorithms developed to predict the effect of missense changes on protein structure and function are either unavailable or do not agree on the potential impact of this missense change. The variant allele was found at a frequency of 3.3e-05 in 182914 control chromosomes. The available data on variant occurrences in the general population are insufficient to allow any conclusion about variant significance. To our knowledge, no occurrence of c.1435T>C in individuals affected with TBX1-related conditions and no experimental evidence demonstrating its impact on protein function have been reported. ClinVar contains an entry for this variant (Variation ID: 972183). Based on the evidence outlined above, the variant was classified as uncertain significance.

Labcorp Genetics (formerly Invitae), Labcorp
Classification: Uncertain significance for DiGeorge syndrome. Last evaluated: 2025-09-15. Review status: criteria provided, single submitter. Criteria: Invitae Variant Classification Sherloc (09022015). Collection method: clinical testing. Allele origin: germline.
Comment: This sequence change replaces tyrosine, which is neutral and polar, with histidine, which is basic and polar, at codon 479 of the TBX1 protein (p.Tyr479His). This variant is present in population databases (rs746250147, gnomAD 0.02%). This variant has not been reported in the literature in individuals affected with TBX1-related conditions. ClinVar contains an entry for this variant (Variation ID: 972183). An algorithm developed to predict the effect of missense changes on protein structure and function (PolyPhen-2) suggests that this variant is likely to be disruptive. In summary, the available evidence is currently insufficient to determine the role of this variant in disease. Therefore, it has been classified as a Variant of Uncertain Significance.

Ambry Genetics
Classification: Uncertain significance for Cardiovascular phenotype. Last evaluated: 2025-07-24. Review status: criteria provided, single submitter. Criteria: Ambry Variant Classification Scheme 2023. Collection method: clinical testing. Allele origin: germline.
Comment: The p.Y479H variant (also known as c.1435T>C), located in coding exon 8 of the TBX1 gene, results from a T to C substitution at nucleotide position 1435. The tyrosine at codon 479 is replaced by histidine, an amino acid with similar properties. This amino acid position is well conserved in available vertebrate species. In addition, the in silico prediction for this alteration is inconclusive. Since supporting evidence is limited at this time, the clinical significance of this alteration remains unclear.

Athena Diagnostics
Classification: Uncertain significance. Last evaluated: 2024-10-01. Review status: criteria provided, single submitter. Criteria: Athena Diagnostics Criteria. Collection method: clinical testing. Allele origin: unknown.

PreventionGenetics, part of Exact Sciences
Classification: Uncertain significance for TBX1-related condition. Last evaluated: 2023-11-20. Review status: no assertion criteria provided. Collection method: clinical testing. Allele origin: germline. Not counted in ClinVar's aggregate classification.
Comment: The TBX1 c.1435T>C variant is predicted to result in the amino acid substitution p.Tyr479His. To our knowledge, this variant has not been reported in the literature. This variant is reported in 0.021% of alleles in individuals of Latino descent in gnomAD. At this time, the clinical significance of this variant is uncertain due to the absence of conclusive functional and genetic evidence.